The following is an entry in ClinVar:

NM_004360.5(CDH1):c.2499T>A (p.Phe833Leu)

Gene: CDH1 (cadherin 1; plus strand). Cytogenetic location: 16q22.1.
Variant type: single nucleotide variant.
Coding change: c.2499T>A on transcript NM_004360.5 (MANE Select); coding-DNA position 2499, T replaced by A.
Protein change: p.Phe833Leu; replaces phenylalanine 833 with leucine.
Molecular consequence: missense variant.
Genome position (GRCh38, 1-based): chr16:68,833,349, T>A. VCF-style: chr16-68833349-T-A. GRCh37 (hg19) VCF-style: chr16-68867252-T-A.
Other names: c.2316T>A, p.Phe772Leu (NM_001317184.2); c.951T>A, p.Phe317Leu (NM_001317185.2); c.534T>A, p.Phe178Leu (NM_001317186.2); short protein forms F317L, F178L, F772L, F833L.
Identifiers: ClinVar variation 2775047 (VCV002775047.2), dbSNP rs2152143942, ClinGen allele CA396472171.

ClinVar aggregate classification (germline): Uncertain significance (1 of 4 stars; one submission).

Conditions:
Hereditary cancer-predisposing syndrome. Also called: Neoplastic Syndromes, Hereditary; Tumor predisposition; Hereditary Cancer Syndrome; Hereditary neoplastic syndrome. Identifiers: Orphanet 140162, MedGen C0027672, MeSH D009386, MONDO:0015356.

Submission:

Color Diagnostics, LLC DBA Color Health
Classification: Uncertain significance for Hereditary cancer-predisposing syndrome. Last evaluated: 2023-12-04. Review status: criteria provided, single submitter. Criteria: ACMG Guidelines, 2015. Collection method: clinical testing. Allele origin: germline.
Comment: This missense variant replaces phenylalanine with leucine at codon 833 of the CDH1 protein. To our knowledge, functional studies have not been reported for this variant. This variant has not been reported in individuals affected with CDH1-related disorders in the literature. This variant has not been identified in the general population by the Genome Aggregation Database (gnomAD). The available evidence is insufficient to determine the role of this variant in disease conclusively. Therefore, this variant is classified as a Variant of Uncertain Significance.